The following is an entry in ClinVar:

ClinVar aggregate classification (germline): Uncertain significance. Review status: criteria provided, multiple submitters, no conflicts (2 of 4 stars). 2 submissions from 2 submitters: Uncertain significance (2). Last evaluated 2020-04-30.

Conditions:
Autosomal recessive ataxia, Beauce type. Also called: ATAXIA, RECESSIVE, OF BEAUCE; Spinocerebellar ataxia, autosomal recessive 8; SYNE1-Related Autosomal Recessive Cerebellar Ataxia; SYNE1 Deficiency. Identifiers: Orphanet 88644, MedGen C1853116, MONDO:0012549, OMIM 610743.
Emery-Dreifuss muscular dystrophy 4, autosomal dominant (EDMD4). Also called: EMERY-DREIFUSS MUSCULAR DYSTROPHY 4 WITH VARIABLE FEATURES. Identifiers: Orphanet 261, MedGen C2751807, MONDO:0013071, OMIM 612998.

Allele frequency attached by ClinVar (database versions not stated): gnomAD exomes 0.00001; TOPMed below 0.00001; gnomAD 0.00001.
gnomAD v4.1: 10 of 1,614,110 alleles (0.00062%); highest among the groups gnomAD compares: Non-Finnish European, 0.00076%; no homozygotes.

Submissions (2):

Labcorp Genetics (formerly Invitae), Labcorp
Classification: Uncertain significance for Emery-Dreifuss muscular dystrophy 4, autosomal dominant; Autosomal recessive ataxia, Beauce type. Last evaluated: 2020-04-30. Review status: criteria provided, single submitter. Criteria: Invitae Variant Classification Sherloc (09022015). Collection method: clinical testing. Allele origin: germline.
Comment: In summary, the available evidence is currently insufficient to determine the role of this variant in disease. Therefore, it has been classified as a Variant of Uncertain Significance. Algorithms developed to predict the effect of missense changes on protein structure and function are either unavailable or do not agree on the potential impact of this missense change (SIFT: "Deleterious"; PolyPhen-2: "Benign"; Align-GVGD: "Class C25"). This variant has not been reported in the literature in individuals with SYNE1-related conditions. This variant is not present in population databases (ExAC no frequency). This sequence change replaces glutamic acid with glutamine at codon 5751 of the SYNE1 protein (p.Glu5751Gln). The glutamic acid residue is highly conserved and there is a small physicochemical difference between glutamic acid and glutamine.

GeneDx
Classification: Uncertain significance. Last evaluated: 2019-04-02. Review status: criteria provided, single submitter. Criteria: GeneDx Variant Classification Process June 2021. Collection method: clinical testing. Allele origin: germline. Affected: yes.
Comment: Not observed in large population cohorts (Lek et al., 2016); In silico analysis, which includes protein predictors and evolutionary conservation, supports a deleterious effect; Has not been previously published as pathogenic or benign to our knowledge

NM_182961.4(SYNE1):c.17464G>C (p.Glu5822Gln)

Genes: SYNE1 (spectrin repeat containing nuclear envelope protein 1; minus strand), LOC129997480 (ATAC-STARR-seq lymphoblastoid active region 25287; plus strand). Cytogenetic location: 6q25.2.
Variant type: single nucleotide variant.
Coding change: c.17464G>C on transcript NM_182961.4 (MANE Select); coding-DNA position 17464, G replaced by C.
Protein change: p.Glu5822Gln; replaces glutamic acid 5822 with glutamine.
Molecular consequence: missense variant.
Genome position (GRCh38, 1-based): chr6:152,301,946, C>G on the plus strand (G>C on the coding strand, the complement: SYNE1 is on the minus strand). VCF-style: chr6-152301946-C-G. GRCh37 (hg19) VCF-style: chr6-152623081-C-G.
Other names: c.17251G>C, p.Glu5751Gln (NM_033071.5); short protein forms E5751Q, E5822Q.
Identifiers: ClinVar variation 1010450 (VCV001010450.10), dbSNP rs2095193468, ClinGen allele CA366103727.